The following is an entry in ClinVar:

ClinVar aggregate classification (germline): Uncertain significance (1 of 4 stars; one submission).

Conditions:
Nemaline myopathy 2 (NEM2). Also called: Nemaline myopathy 2, autosomal recessive. Identifiers: MedGen C1850569, MONDO:0009725, OMIM 256030.

Submission:

Labcorp Genetics (formerly Invitae), Labcorp
Classification: Uncertain significance for Nemaline myopathy 2. Last evaluated: 2018-04-25. Review status: criteria provided, single submitter. Criteria: Invitae Variant Classification Sherloc (09022015). Collection method: clinical testing. Allele origin: germline.
Comment: In summary, the available evidence is currently insufficient to determine the role of this variant in disease. Therefore, it has been classified as a Variant of Uncertain Significance. Algorithms developed to predict the effect of missense changes on protein structure and function do not agree on the potential impact of this missense change (SIFT: "Deleterious"; Align-GVGD: "Class C0"). This variant has not been reported in the literature in individuals with NEB-related disease. This sequence change replaces alanine with proline at codon 2016 of the NEB protein (p.Ala2016Pro). The alanine residue is moderately conserved and there is a small physicochemical difference between alanine and proline. This variant is not present in population databases (ExAC no frequency).

NM_001164508.2(NEB):c.6046G>C (p.Ala2016Pro)

Gene: NEB (nebulin; minus strand). Cytogenetic location: 2q23.3.
Variant type: single nucleotide variant.
Coding change: c.6046G>C on transcript NM_001164508.2 (MANE Select); coding-DNA position 6046, G replaced by C.
Protein change: p.Ala2016Pro; replaces alanine 2016 with proline.
Molecular consequence: missense variant.
Genome position (GRCh38, 1-based): chr2:151,659,094, C>G on the plus strand (G>C on the coding strand, the complement: NEB is on the minus strand). VCF-style: chr2-151659094-C-G. GRCh37 (hg19) VCF-style: chr2-152515608-C-G.
Other names: c.6046G>C, p.Ala2016Pro (NM_001164507.2, NM_001271208.2, NM_004543.5); short protein forms A2016P.
Identifiers: ClinVar variation 581133 (VCV000581133.8), dbSNP rs1558927613, ClinGen allele CA348802935.